The following is an entry in ClinVar:

ClinVar aggregate classification (germline): Likely benign (1 of 4 stars; one submission).

Conditions:
Leigh syndrome (NULS). Also called: Leigh's necrotizing encephalopathy; Leigh's disease; Leigh's syndrome; LEIGH SYNDROME, NUCLEAR; Leigh Syndrome (mtDNA deletion); Leigh Disease. Identifiers: Orphanet 506, MedGen C2931891, MONDO:0009723, OMIM 256000.

Submission:

Wong Mito Lab, Molecular and Human Genetics, Baylor College of Medicine
Classification: Likely benign for Leigh syndrome. Last evaluated: 2019-10-17. Review status: criteria provided, single submitter. Criteria: Modified ACMG Guidelines (Unpublished). Collection method: clinical testing. Allele origin: germline.
Comment: The NC_012920.1:m.14357A>G (YP_003024037.1:p.Val106Ala) variant in MTND6 gene is interpretated to be a Likely Benign variant based on the modified ACMG guidelines (unpublished). This variant meets the following evidence codes: BS1, BP4

NC_012920.1(MT-ND6):m.14357A>G

Gene: MT-ND6 (mitochondrially encoded NADH dehydrogenase 6; minus strand).
Variant type: single nucleotide variant.
Genome position: chrM-14357-A-G.
Identifiers: ClinVar variation 693715 (VCV000693715.1), dbSNP rs1603224692, ClinGen allele CA414822103.